The following is an entry in ClinVar:

ClinVar aggregate classification (germline): Uncertain significance (1 of 4 stars; one submission).

gnomAD v4.1: 1 of 1,609,792 alleles (0.000062%); highest among the groups gnomAD compares: Admixed American, 0.0017%; no homozygotes.

Submission:

GeneDx
Classification: Uncertain significance. Last evaluated: 2018-11-02. Review status: criteria provided, single submitter. Criteria: GeneDx Variant Classification Process June 2021. Collection method: clinical testing. Allele origin: germline. Affected: yes.
Comment: Not observed at significant frequency in large population cohorts (gnomAD); In silico analysis supports that this missense variant has a deleterious effect on protein structure/function; This variant is associated with the following publications: (PMID: 23040356)

NM_017617.5(NOTCH1):c.7535C>T (p.Pro2512Leu)

Gene: NOTCH1 (notch receptor 1; minus strand). Cytogenetic location: 9q34.3.
Variant type: single nucleotide variant.
Coding change: c.7535C>T on transcript NM_017617.5 (MANE Select); coding-DNA position 7535, C replaced by T.
Protein change: p.Pro2512Leu; replaces proline 2512 with leucine.
Molecular consequence: missense variant.
Genome position (GRCh38, 1-based): chr9:136,496,204, G>A on the plus strand (C>T on the coding strand, the complement: NOTCH1 is on the minus strand). VCF-style: chr9-136496204-G-A. GRCh37 (hg19) VCF-style: chr9-139390656-G-A.
Other names: short protein forms P2512L.
Identifiers: ClinVar variation 4086446 (VCV004086446.1).